The following is an entry in ClinVar:

NM_005026.5(PIK3CD):c.1673A>G (p.His558Arg)

Gene: PIK3CD (phosphatidylinositol-4,5-bisphosphate 3-kinase catalytic subunit delta; plus strand). Cytogenetic location: 1p36.22.
Variant type: single nucleotide variant.
Coding change: c.1673A>G on transcript NM_005026.5 (MANE Select); coding-DNA position 1673, A replaced by G.
Protein change: p.His558Arg; replaces histidine 558 with arginine.
Molecular consequence: missense variant.
Genome position (GRCh38, 1-based): chr1:9,720,893, A>G. VCF-style: chr1-9720893-A-G. GRCh37 (hg19) VCF-style: chr1-9780951-A-G.
Other names: c.1670A>G, p.His557Arg (NM_001350234.2); c.1586A>G, p.His529Arg (NM_001350235.1); short protein forms H529R, H557R, H558R.
Identifiers: ClinVar variation 952541 (VCV000952541.11), dbSNP rs1648521215, ClinGen allele CA338304032.
Genomic context (GRCh38, chr1:9,720,893, plus strand): 5'-TCCAGGAGCACTTCCCGGAGGCGCTAGCCCGGCTGCTGCTGGTCACCAAGTGGAACAAGC[A>G]TGAGGATGTGGCCCAGGTGGGTGGGGAGGCGCACCTGGGGGCGGAGCTGGGGGCAGACCA-3'
Protein context (NP_005017.3, residues 548-568): RLLLVTKWNK[His558Arg]EDVAQMLYLL

ClinVar aggregate classification (germline): Uncertain significance. Review status: criteria provided, multiple submitters, no conflicts (2 of 4 stars). 2 submissions from 2 submitters: Uncertain significance (2). Last evaluated 2024-12-24.

Conditions:
Immunodeficiency 14 (IMD14A). Also called: ACTIVATED PI3K-DELTA SYNDROME 1; IMMUNODEFICIENCY 14A WITH LYMPHOPROLIFERATION, AUTOSOMAL DOMINANT; Activated PI3K Delta Syndrome Type 1 (APDS1); p110-DELTA-ACTIVATING MUTATION CAUSING SENESCENT T CELLS, LYMPHADENOPATHY, AND IMMUNODEFICIENCY. Identifiers: Orphanet 397596, Orphanet 693661, MedGen C5907821, MONDO:0014222, OMIM 615513.

gnomAD v4.1: 1 of 1,598,384 alleles (0.000063%); no homozygotes.

Submissions (2):

Labcorp Genetics (formerly Invitae), Labcorp
Classification: Uncertain significance for Activated PI3K-delta syndrome. Last evaluated: 2024-12-24. Review status: criteria provided, single submitter. Criteria: Invitae Variant Classification Sherloc (09022015). Collection method: clinical testing. Allele origin: germline.
Comment: This sequence change replaces histidine, which is basic and polar, with arginine, which is basic and polar, at codon 558 of the PIK3CD protein (p.His558Arg). This variant is not present in population databases (gnomAD no frequency). This variant has not been reported in the literature in individuals affected with PIK3CD-related conditions. ClinVar contains an entry for this variant (Variation ID: 952541). Invitae Evidence Modeling of protein sequence and biophysical properties (such as structural, functional, and spatial information, amino acid conservation, physicochemical variation, residue mobility, and thermodynamic stability) indicates that this missense variant is not expected to disrupt PIK3CD protein function with a negative predictive value of 80%. In summary, the available evidence is currently insufficient to determine the role of this variant in disease. Therefore, it has been classified as a Variant of Uncertain Significance.

Blueprint Genetics
Classification: Uncertain significance. Last evaluated: 2019-01-24. Review status: criteria provided, single submitter. Criteria: ACMG Guidelines, 2015. Collection method: clinical testing. Allele origin: germline.